The following is an entry in ClinVar:

ClinVar aggregate classification (germline): Conflicting classifications of pathogenicity. Review status: criteria provided, conflicting classifications (1 of 4 stars). 4 submissions from 4 submitters: Uncertain significance (3); Likely benign (1). Last evaluated 2026-10-20.

Conditions:
Infantile neuroaxonal dystrophy (NBIA2A). Also called: Infantile neuroaxonal dystrophy 1; NEURODEGENERATION WITH BRAIN IRON ACCUMULATION 2A; SEITELBERGER DISEASE. Identifiers: Orphanet 35069, MedGen C0270724, MONDO:0024457, OMIM 256600.

Allele frequency attached by ClinVar (database versions not stated): ExAC 0.00023; gnomAD 0.00027 and 0.00028; TOPMed 0.00030; ESP Exome Variant Server 0.00038.
gnomAD v4.1: 509 of 1,612,254 alleles (0.032%); highest among the groups gnomAD compares: Non-Finnish European, 0.036%; no homozygotes.

Submissions (4):

GeneDx
Classification: Uncertain significance. Last evaluated: 2026-10-20. Review status: criteria provided, single submitter. Criteria: GeneDx Variant Classification Process June 2021. Collection method: clinical testing. Allele origin: germline.
Comment: Reported previously in a patient with familial dementia with Lewy bodies and bilateral hand tremor; however, the phenotype was thought to be caused by a presumed pathogenic PSEN1 variant (PMID: 33769990); In silico analysis supports that this missense variant does not alter protein structure/function; This variant is associated with the following publications: (PMID: 33769990)

Labcorp Genetics (formerly Invitae), Labcorp
Classification: Likely benign for Infantile neuroaxonal dystrophy. Last evaluated: 2026-01-25. Review status: criteria provided, single submitter. Criteria: Invitae Variant Classification Sherloc (09022015). Collection method: clinical testing. Allele origin: germline.

Mayo Clinic Laboratories, Mayo Clinic
Classification: Uncertain significance. Last evaluated: 2024-05-07. Review status: criteria provided, single submitter. Criteria: ACMG Guidelines, 2015. Collection method: clinical testing. Allele origin: germline. Observed: 2 variant alleles.
Comment: BS1

CeGaT Center for Human Genetics Tuebingen
Classification: Uncertain significance. Last evaluated: 2016-09-01. Review status: criteria provided, single submitter. Criteria: CeGaT Center For Human Genetics Tuebingen Variant Classification Criteria Version 2. Collection method: clinical testing. Allele origin: germline. Affected: yes. Observed: 1 variant allele.

Literature cited by the submitters: PubMed 33769990 (cited by Mayo Clinic Laboratories, Mayo Clinic).

NM_003560.4(PLA2G6):c.1424G>A (p.Arg475Gln)

Gene: PLA2G6 (phospholipase A2 group VI; minus strand). Cytogenetic location: 22q13.1.
Variant type: single nucleotide variant.
Coding change: c.1424G>A on transcript NM_003560.4 (MANE Select); coding-DNA position 1424, G replaced by A.
Protein change: p.Arg475Gln; replaces arginine 475 with glutamine.
Molecular consequence: missense variant.
Genome position (GRCh38, 1-based): chr22:38,126,374, C>T on the plus strand (G>A on the coding strand, the complement: PLA2G6 is on the minus strand). VCF-style: chr22-38126374-C-T. GRCh37 (hg19) VCF-style: chr22-38522381-C-T.
Other names: p.Arg475Gln; c.1262G>A, p.Arg421Gln (NM_001004426.3, NM_001199562.3, NM_001349865.2 and 1 more transcripts); c.1424G>A, p.Arg475Gln (NM_001349864.2); c.890G>A, p.Arg297Gln (NM_001349867.2); c.746G>A, p.Arg249Gln (NM_001349868.2); c.728G>A, p.Arg243Gln (NM_001349869.2); short protein forms R475Q, R421Q, R243Q, R249Q, R297Q.
Identifiers: ClinVar variation 425282 (VCV000425282.54), dbSNP rs139184008, ClinGen allele CA10230873.